The following is an entry in ClinVar:

ClinVar aggregate classification (germline): Uncertain significance. Review status: criteria provided, multiple submitters, no conflicts (2 of 4 stars). 3 submissions from 3 submitters: Uncertain significance (2). 1 of the submissions does not count toward it. Last evaluated 2022-10-18.

Conditions:
Glycine encephalopathy. Also called: Non-ketotic hyperglycinemia; Nonketotic hyperglycinemia. Identifiers: Orphanet 407, MedGen C0751748, MONDO:0011612, HP:0008288.

Submissions (3):

Labcorp Genetics (formerly Invitae), Labcorp
Classification: Uncertain significance for Glycine encephalopathy. Last evaluated: 2022-10-18. Review status: criteria provided, single submitter. Criteria: Invitae Variant Classification Sherloc (09022015). Collection method: clinical testing. Allele origin: germline.
Comment: This sequence change replaces phenylalanine, which is neutral and non-polar, with leucine, which is neutral and non-polar, at codon 264 of the GLDC protein (p.Phe264Leu). This variant is not present in population databases (gnomAD no frequency). This variant has not been reported in the literature in individuals affected with GLDC-related conditions. ClinVar contains an entry for this variant (Variation ID: 659778). Advanced modeling of protein sequence and biophysical properties (such as structural, functional, and spatial information, amino acid conservation, physicochemical variation, residue mobility, and thermodynamic stability) performed at Invitae indicates that this missense variant is not expected to disrupt GLDC protein function. In summary, the available evidence is currently insufficient to determine the role of this variant in disease. Therefore, it has been classified as a Variant of Uncertain Significance.

GeneDx
Classification: Uncertain significance. Last evaluated: 2022-06-22. Review status: criteria provided, single submitter. Criteria: GeneDx Variant Classification Process June 2021. Collection method: clinical testing. Allele origin: germline. Affected: yes.
Comment: Not observed at significant frequency in large population cohorts (gnomAD); In silico analysis supports that this missense variant does not alter protein structure/function; Has not been previously published as pathogenic or benign to our knowledge

Natera, Inc.
Classification: Uncertain significance for Non-ketotic hyperglycinemia. Last evaluated: 2021-03-19. Review status: no assertion criteria provided. Collection method: clinical testing. Allele origin: germline. Not counted in ClinVar's aggregate classification.

NM_000170.3(GLDC):c.790T>C (p.Phe264Leu)

Gene: GLDC (glycine decarboxylase; minus strand). Cytogenetic location: 9p24.1.
Variant type: single nucleotide variant.
Coding change: c.790T>C on transcript NM_000170.3 (MANE Select); coding-DNA position 790, T replaced by C.
Protein change: p.Phe264Leu; replaces phenylalanine 264 with leucine.
Molecular consequence: missense variant.
Genome position (GRCh38, 1-based): chr9:6,605,202, A>G on the plus strand (T>C on the coding strand, the complement: GLDC is on the minus strand). VCF-style: chr9-6605202-A-G. GRCh37 (hg19) VCF-style: chr9-6605202-A-G.
Other names: short protein forms F264L.
Identifiers: ClinVar variation 659778 (VCV000659778.10), dbSNP rs1038444873, ClinGen allele CA188684742.